The following is an entry in ClinVar:

NM_015450.3(POT1):c.25T>C (p.Tyr9His)

Gene: POT1 (protection of telomeres 1; minus strand). Cytogenetic location: 7q31.33.
Variant type: single nucleotide variant.
Coding change: c.25T>C on transcript NM_015450.3 (MANE Select); coding-DNA position 25, T replaced by C.
Protein change: p.Tyr9His; replaces tyrosine 9 with histidine.
Molecular consequence: missense variant. On other transcripts: 5 prime UTR variant (1), non-coding transcript variant (3).
Genome position (GRCh38, 1-based): chr7:124,892,365, A>G on the plus strand (T>C on the coding strand, the complement: POT1 is on the minus strand). VCF-style: chr7-124892365-A-G. GRCh37 (hg19) VCF-style: chr7-124532419-A-G.
Other names: c.-238T>C (NM_001042594.2); short protein forms Y9H.
Identifiers: ClinVar variation 4805064 (VCV004805064.1).
Genomic context (GRCh38, chr7:124,892,365, plus strand): 5'-CAACACCATAGACATTGACAATTGTACCACCCTTAAGTTGATTCAGGGGTGTATATATAT[A>G]ATTTGTTGCTGGAACCTAAAGAAAGAGAAGACAGTGAATACATTTATACAAAGTATTTAC-3'
Protein context (NP_056265.2, residues 1-19): MSLVPATN[Tyr9His]IYTPLNQLKG

ClinVar aggregate classification (germline): Uncertain significance (1 of 4 stars; one submission).

Conditions:
Tumor predisposition syndrome 3 (TPDS3). Also called: Melanoma, cutaneous malignant, susceptibility to, 10; Glioma susceptibility 9; LONG TELOMERE SYNDROME, POT1-RELATED; POT1 Tumor Predisposition. Identifiers: Orphanet 618, MedGen C4014476, MONDO:0014368, OMIM 615848.

Submission:

Labcorp Genetics (formerly Invitae), Labcorp
Classification: Uncertain significance for Tumor predisposition syndrome 3. Last evaluated: 2025-11-23. Review status: criteria provided, single submitter. Criteria: Invitae Variant Classification Sherloc (09022015). Collection method: clinical testing. Allele origin: germline.
Comment: This sequence change replaces tyrosine, which is neutral and polar, with histidine, which is basic and polar, at codon 9 of the POT1 protein (p.Tyr9His). This variant is not present in population databases (gnomAD no frequency). This variant has not been reported in the literature in individuals affected with POT1-related conditions. Invitae Evidence Modeling of protein sequence and biophysical properties (such as structural, functional, and spatial information, amino acid conservation, physicochemical variation, residue mobility, and thermodynamic stability) indicates that this missense variant is not expected to disrupt POT1 protein function with a negative predictive value of 80%. In summary, the available evidence is currently insufficient to determine the role of this variant in disease. Therefore, it has been classified as a Variant of Uncertain Significance.